The following is an entry in ClinVar:

ClinVar aggregate classification (germline): Likely pathogenic (1 of 4 stars; one submission).

Conditions:
Symmetrical dyschromatosis of extremities (DSH). Also called: DYSCHROMATOSIS SYMMETRICA HEREDITARIA 1; RETICULATE ACROPIGMENTATION OF DOHI; SYMMETRIC DYSCHROMATOSIS OF THE EXTREMITIES; Dyschromatosis symmetrica hereditaria. Identifiers: Orphanet 41, MedGen C0406775, MONDO:0007483, OMIM 127400.

Submission:

Dermatology, The Second Affiliated Hospital of Xi'an Jiaotong University
Classification: Likely pathogenic for Symmetrical dyschromatosis of extremities. Last evaluated: 2020-10-23. Review status: criteria provided, single submitter. Criteria: ACMG Guidelines, 2015. Collection method: clinical testing. Allele origin: germline. Affected: yes. Observed: 3 variant alleles.
Comment: Frameshift deletion c.1811delC is classified as Pathogenic for autosomal dominant Dyschromatosis symmetrica hereditaria (OMIM 127400). This variant is predicted to cause loss of function through nonsense-mediated decay (PVS1; Very Strong), a known mechanism for this disorder. It is absent or extremely rare in population databases (PM2). The vertical transmission from an affected parent to affected children supports co-segregation with disease under the established autosomal dominant model (PP1_Supporting). Patient phenotypes were consistent with the disorder (PP4). The combined evidence unequivocally exceeds the threshold for Pathogenic classification.

NM_001111.5(ADAR):c.1811del (p.Pro604fs)

Gene: ADAR (adenosine deaminase RNA specific; minus strand). Cytogenetic location: 1q21.3.
Variant type: Deletion.
Coding change: c.1811del on transcript NM_001111.5 (MANE Select); coding-DNA position 1811, one base deleted (C; older notation c.1811delC).
Protein change: p.Pro604fs; shifts the reading frame from proline 604.
Molecular consequence: frameshift variant.
Genome position (GRCh38, 1-based): chr1:154,597,951, G deleted on the plus strand (C on the coding strand, the reverse complement: ADAR is on the minus strand); the first of 4 consecutive G bases (chr1:154,597,951-154,597,954); deleting any one gives the same sequence. VCF-style (leftmost placement, unchanged base first): chr1-154597950-AG-A. GRCh37 (hg19) VCF-style: chr1-154570426-AG-A.
Other names: c.926del, p.Pro309fs (NM_001025107.3, NM_001193495.2, NM_001365046.1 and 3 more transcripts); c.1838del, p.Pro613fs (NM_001365045.1); c.1811del, p.Pro604fs (NM_015840.4, NM_015841.4); c.1811delC (NM_001111.5); short protein forms P309fs, P604fs, P613fs.
Identifiers: ClinVar variation 4075405 (VCV004075405.1).
Genomic context (GRCh38, chr1:154,597,950, plus strand): 5'-GTGCATACACTCAAGCAGTGTGGTGACGGGGCTCTTCCCAGAAAAGAAGGATGTGGCTGA[AG>A]GGGTGGGGGTCTGGGACTCTGCAGTCTAGAGAAAATGAGAGACAAGAAGAAAACAAAACT-3'